The following is an entry in ClinVar:

ClinVar aggregate classification (germline): Uncertain significance (1 of 4 stars; one submission).

Submission:

Labcorp Genetics (formerly Invitae), Labcorp
Classification: Uncertain significance. Last evaluated: 2023-09-10. Review status: criteria provided, single submitter. Criteria: Invitae Variant Classification Sherloc (09022015). Collection method: clinical testing. Allele origin: germline.
Comment: Variants that disrupt the consensus splice site are a relatively common cause of aberrant splicing (PMID: 17576681, 9536098). Algorithms developed to predict the effect of sequence changes on RNA splicing suggest that this variant is not likely to affect RNA splicing. In summary, the available evidence is currently insufficient to determine the role of this variant in disease. Therefore, it has been classified as a Variant of Uncertain Significance. This variant has not been reported in the literature in individuals affected with KIF2A-related conditions. This variant is not present in population databases (gnomAD no frequency). This sequence change affects codon 373 of the KIF2A mRNA. It is a 'silent' change, meaning that it does not change the encoded amino acid sequence of the KIF2A protein. This variant also falls at the last nucleotide of exon 12, which is part of the consensus splice site for this exon.

Literature cited by the submitters: PubMed 17576681; PubMed 9536098.

NM_001098511.3(KIF2A):c.1119G>A (p.Lys373=)

Gene: KIF2A (kinesin family member 2A; plus strand). Cytogenetic location: 5q12.1.
Variant type: single nucleotide variant.
Coding change: c.1119G>A on transcript NM_001098511.3 (MANE Select); coding-DNA position 1119, G replaced by A.
Protein change: p.Lys373=; no amino-acid change (lysine 373 retained).
Molecular consequence: synonymous variant.
Genome position (GRCh38, 1-based): chr5:62,362,541, G>A. VCF-style: chr5-62362541-G-A. GRCh37 (hg19) VCF-style: chr5-61658368-G-A.
Other names: c.1038G>A, p.Lys346= (NM_001243952.2); c.1062G>A, p.Lys354= (NM_001243953.2); c.1119G>A, p.Lys373= (NM_004520.5).
Identifiers: ClinVar variation 2818062 (VCV002818062.3), dbSNP rs1321424207, ClinGen allele CA444579058.